The following is an entry in ClinVar:

ClinVar aggregate classification (germline): Uncertain significance (1 of 4 stars; one submission).

Conditions:
Congenital hyperammonemia, type I. Also called: Carbamoyl phosphate synthetase 1 deficiency; Hyperammonemia due to carbamoyl phosphate synthetase 1 deficiency; CPS 1 deficiency; Carbamyl phosphate synthetase (CPS) deficiency; Carbamoyl phosphate synthetase I deficiency disease; CPS I DEFICIENCY. Identifiers: Orphanet 147, MedGen C4082171, MONDO:0009376, OMIM 237300.

gnomAD v4.1: 9 of 1,612,198 alleles (0.00056%); highest among the groups gnomAD compares: East Asian, 0.02%; no homozygotes.

Submission:

3billion
Classification: Uncertain significance for Congenital hyperammonemia, type I. Last evaluated: 2024-07-05. Review status: criteria provided, single submitter. Criteria: ACMG Guidelines, 2015. Collection method: clinical testing. Allele origin: germline. Affected: yes.
Comment: The variant is observed at an extremely low frequency in the gnomAD v4.0.0 dataset (total allele frequency: <0.001%). Predicted Consequence/Location: The majority of the known disease-causing variants of this gene are variants expected to result in premature termination of the protein. In silico tool predictions suggest damaging effect of the variant on gene or gene product [REVEL: 0.80 (>=0.6, sensitivity 0.68 and specificity 0.92)]. Therefore, this variant is classified as VUS according to the recommendation of ACMG/AMP guideline.

NM_001875.5(CPS1):c.2220G>T (p.Lys740Asn)

Gene: CPS1 (carbamoyl-phosphate synthase 1; plus strand). Cytogenetic location: 2q34.
Variant type: single nucleotide variant.
Coding change: c.2220G>T on transcript NM_001875.5 (MANE Select); coding-DNA position 2220, G replaced by T.
Protein change: p.Lys740Asn; replaces lysine 740 with asparagine.
Molecular consequence: missense variant. On other transcripts: non-coding transcript variant (2).
Genome position (GRCh38, 1-based): chr2:210,608,388, G>T. VCF-style: chr2-210608388-G-T. GRCh37 (hg19) VCF-style: chr2-211473112-G-T.
Other names: c.2220G>T, p.Lys740Asn (NM_001122633.3, NM_001369257.1); c.2253G>T, p.Lys751Asn (NM_001369256.1); short protein forms K740N, K751N.
Identifiers: ClinVar variation 3776243 (VCV003776243.2).